The following is an entry in ClinVar:

ClinVar aggregate classification (germline): Uncertain significance (1 of 4 stars; one submission).

Allele frequency attached by ClinVar (database versions not stated): gnomAD 0.00001; gnomAD exomes 0.00001.
gnomAD v4.1: 8 of 1,597,556 alleles (0.0005%); highest among the groups gnomAD compares: Admixed American, 0.0017%; no homozygotes.

Submission:

Labcorp Genetics (formerly Invitae), Labcorp
Classification: Uncertain significance. Last evaluated: 2022-08-13. Review status: criteria provided, single submitter. Criteria: Invitae Variant Classification Sherloc (09022015). Collection method: clinical testing. Allele origin: germline.
Comment: This sequence change replaces arginine, which is basic and polar, with histidine, which is basic and polar, at codon 394 of the CEP78 protein (p.Arg394His). The frequency data for this variant in the population databases is considered unreliable, as metrics indicate poor data quality at this position in the gnomAD database. This variant has not been reported in the literature in individuals affected with CEP78-related conditions. Algorithms developed to predict the effect of missense changes on protein structure and function are either unavailable or do not agree on the potential impact of this missense change (SIFT: "Deleterious"; PolyPhen-2: "Probably Damaging"; Align-GVGD: "Class C0"). In summary, the available evidence is currently insufficient to determine the role of this variant in disease. Therefore, it has been classified as a Variant of Uncertain Significance.

NM_001330691.3(CEP78):c.1178G>A (p.Arg393His)

Gene: CEP78 (centrosomal protein 78; plus strand). Cytogenetic location: 9q21.2.
Variant type: single nucleotide variant.
Coding change: c.1178G>A on transcript NM_001330691.3 (MANE Select); coding-DNA position 1178, G replaced by A.
Protein change: p.Arg393His; replaces arginine 393 with histidine.
Molecular consequence: missense variant.
Genome position (GRCh38, 1-based): chr9:78,252,016, G>A. VCF-style: chr9-78252016-G-A. GRCh37 (hg19) VCF-style: chr9-80866932-G-A.
Other names: c.1181G>A, p.Arg394His (NM_001098802.3, NM_001349839.2, NM_001349840.2 and 1 more transcripts); c.1178G>A, p.Arg393His (NM_001330693.3, NM_001330694.2, NM_001349838.2); short protein forms R394H, R393H.
Identifiers: ClinVar variation 1932597 (VCV001932597.2), dbSNP rs1018373694, ClinGen allele CA194403922.